The following is an entry in ClinVar:

ClinVar aggregate classification (germline): Uncertain significance. Review status: criteria provided, multiple submitters, no conflicts (2 of 4 stars). 3 submissions from 3 submitters: Uncertain significance (3). Last evaluated 2024-08-04.

Conditions:
Inborn genetic diseases. Identifiers: MedGen C0950123, MeSH D030342.

Allele frequency attached by ClinVar (database versions not stated): gnomAD exomes 0.00001 and 0.00002; ExAC 0.00002; TOPMed 0.00002.
gnomAD v4.1: 15 of 1,480,082 alleles (0.001%); highest among the groups gnomAD compares: African/African-American, 0.0014%; no homozygotes.

Submissions (3):

Ambry Genetics
Classification: Uncertain significance for Inborn genetic diseases. Last evaluated: 2024-08-04. Review status: criteria provided, single submitter. Criteria: Ambry Variant Classification Scheme 2023. Collection method: clinical testing. Allele origin: germline.

Labcorp Genetics (formerly Invitae), Labcorp
Classification: Uncertain significance. Last evaluated: 2023-06-14. Review status: criteria provided, single submitter. Criteria: Invitae Variant Classification Sherloc (09022015). Collection method: clinical testing. Allele origin: germline.
Comment: In summary, the available evidence is currently insufficient to determine the role of this variant in disease. Therefore, it has been classified as a Variant of Uncertain Significance. An algorithm developed to predict the effect of missense changes on protein structure and function (PolyPhen-2) suggests that this variant is likely to be tolerated. ClinVar contains an entry for this variant (Variation ID: 453205). This variant has not been reported in the literature in individuals affected with KIF2A-related conditions. This variant is present in population databases (rs777382535, gnomAD 0.003%). This sequence change replaces valine, which is neutral and non-polar, with isoleucine, which is neutral and non-polar, at codon 188 of the KIF2A protein (p.Val188Ile).

GeneDx
Classification: Uncertain significance. Last evaluated: 2017-11-08. Review status: criteria provided, single submitter. Criteria: GeneDx Variant Classification (06012015). Collection method: clinical testing. Allele origin: germline. Affected: yes.
Comment: The V188I variant has not been published as a pathogenic variant, nor has it been reported as a benign variant to our knowledge. The V188I variant is observed in 4/240,640 (0.002%) alleles in large population cohorts (Lek et al., 2016). The V188I variant is a conservative amino acid substitution, which is not likely to impact secondary protein structure as these residues share similar properties. In silico analyses, including protein predictors and evolutionary conservation, support that this variant does not alter protein structure/function. Based on the currently available information, it is unclear whether this variant is a pathogenic variant or a rare benign variant.

NM_001098511.3(KIF2A):c.562G>A (p.Val188Ile)

Gene: KIF2A (kinesin family member 2A; plus strand). Cytogenetic location: 5q12.1.
Variant type: single nucleotide variant.
Coding change: c.562G>A on transcript NM_001098511.3 (MANE Select); coding-DNA position 562, G replaced by A.
Protein change: p.Val188Ile; replaces valine 188 with isoleucine.
Molecular consequence: missense variant.
Genome position (GRCh38, 1-based): chr5:62,355,162, G>A. VCF-style: chr5-62355162-G-A. GRCh37 (hg19) VCF-style: chr5-61650989-G-A.
Other names: c.481G>A, p.Val161Ile (NM_001243952.2); c.505G>A, p.Val169Ile (NM_001243953.2); c.562G>A, p.Val188Ile (NM_004520.5); short protein forms V188I, V169I, V161I.
Identifiers: ClinVar variation 453205 (VCV000453205.6), dbSNP rs777382535, ClinGen allele CA3278815.